The following is an entry in ClinVar:

NM_006019.4(TCIRG1):c.303G>C (p.Thr101=)

Gene: TCIRG1 (T cell immune regulator 1, ATPase H+ transporting V0 subunit a3; plus strand). Cytogenetic location: 11q13.2.
Variant type: single nucleotide variant.
Coding change: c.303G>C on transcript NM_006019.4 (MANE Select); coding-DNA position 303, G replaced by C.
Protein change: p.Thr101=; no amino-acid change (threonine 101 retained).
Molecular consequence: synonymous variant. On other transcripts: 5 prime UTR variant (1).
Genome position (GRCh38, 1-based): chr11:68,042,749, G>C. VCF-style: chr11-68042749-G-C. GRCh37 (hg19) VCF-style: chr11-67810216-G-C.
Other names: c.-947G>C (NM_001351059.2).
Identifiers: ClinVar variation 546677 (VCV000546677.54), dbSNP rs536494151, ClinGen allele CA475513615.

ClinVar aggregate classification (germline): Likely benign. Review status: criteria provided, multiple submitters, no conflicts (2 of 4 stars). 4 submissions from 4 submitters: Likely benign (4). Last evaluated 2025-06-18.

Conditions:
TCIRG1-related disorder. Also called: TCIRG1-related condition.

Allele frequency attached by ClinVar (database versions not stated): gnomAD exomes 0.00001; TOPMed 0.00001.
gnomAD v4.1: 26 of 1,547,284 alleles (0.0017%); highest among the groups gnomAD compares: Admixed American, 0.002%; no homozygotes.

Submissions (4):

PreventionGenetics, part of Exact Sciences
Classification: Likely benign for TCIRG1-related condition. Last evaluated: 2025-06-18. Review status: criteria provided, single submitter. Criteria: ACMG Guidelines, 2015. Collection method: clinical testing. Allele origin: germline.
Comment: This variant is classified as likely benign based on ACMG/AMP sequence variant interpretation guidelines (Richards et al. 2015 PMID: 25741868, with internal and published modifications).

Labcorp Genetics (formerly Invitae), Labcorp
Classification: Likely benign. Last evaluated: 2024-11-22. Review status: criteria provided, single submitter. Criteria: Invitae Variant Classification Sherloc (09022015). Collection method: clinical testing. Allele origin: germline.

Blueprint Genetics
Classification: Likely benign. Last evaluated: 2024-11-18. Review status: criteria provided, single submitter. Criteria: ACMG Guidelines, 2015. Collection method: clinical testing. Allele origin: germline.

CeGaT Center for Human Genetics Tuebingen
Classification: Likely benign. Last evaluated: 2022-04-01. Review status: criteria provided, single submitter. Criteria: CeGaT Center For Human Genetics Tuebingen Variant Classification Criteria Version 2. Collection method: clinical testing. Allele origin: germline. Affected: yes. Observed: 2 variant alleles.
Comment: TCIRG1: BP4, BP7